The following is an entry in ClinVar:

ClinVar aggregate classification (germline): Conflicting classifications of pathogenicity. Review status: criteria provided, conflicting classifications (1 of 4 stars). 3 submissions from 3 submitters: Likely pathogenic (1); Likely benign (2). Last evaluated 2025-07-18.

Conditions:
Trichohepatoenteric syndrome 1 (THES1). Also called: DIARRHEA, FATAL INFANTILE, WITH TRICHORRHEXIS NODOSA. Identifiers: Orphanet 84064, MedGen C4551982, MONDO:0024541, OMIM 222470.

Allele frequency attached by ClinVar (database versions not stated): gnomAD 0.00002.
gnomAD v4.1: 26 of 1,548,604 alleles (0.0017%); highest among the groups gnomAD compares: Non-Finnish European, 0.00054%; no homozygotes.

Submissions (3):

Clinical Genetics and Genomics, Karolinska University Hospital
Classification: Likely pathogenic for Trichohepatoenteric syndrome 1. Last evaluated: 2025-07-18. Review status: criteria provided, single submitter. Criteria: ACMG Guidelines, 2015. Collection method: clinical testing. Allele origin: germline. Inheritance: Autosomal recessive inheritance. Affected: yes.
Comment: This variant lead to abberrant splicing (exon skipping of exon 29).

Labcorp Genetics (formerly Invitae), Labcorp
Classification: Likely benign. Last evaluated: 2023-05-11. Review status: criteria provided, single submitter. Criteria: Invitae Variant Classification Sherloc (09022015). Collection method: clinical testing. Allele origin: germline.

Blueprint Genetics
Classification: Likely benign. Last evaluated: 2021-02-19. Review status: criteria provided, single submitter. Criteria: ACMG Guidelines, 2015. Collection method: clinical testing. Allele origin: germline.

NM_014639.4(SKIC3):c.2921-15T>G

Gene: SKIC3 (SKI3 subunit of superkiller complex; minus strand). Cytogenetic location: 5q15.
Variant type: single nucleotide variant.
Coding change: c.2921-15T>G on transcript NM_014639.4 (MANE Select); 15 bases into the intron before coding-DNA position 2921, T replaced by G.
Molecular consequence: intron variant.
Genome position (GRCh38, 1-based): chr5:95,509,702, A>C on the plus strand (T>G on the coding strand, the complement: SKIC3 is on the minus strand). VCF-style: chr5-95509702-A-C. GRCh37 (hg19) VCF-style: chr5-94845406-A-C.
Identifiers: ClinVar variation 1670922 (VCV001670922.9), dbSNP rs760793958, ClinGen allele CA3346911.